The following is an entry in ClinVar:

ClinVar aggregate classification (germline): Uncertain significance. Review status: criteria provided, multiple submitters, no conflicts (2 of 4 stars). 2 submissions from 2 submitters: Uncertain significance (2). Last evaluated 2025-10-28.

gnomAD v4.1: 47 of 1,613,904 alleles (0.0029%); highest among the groups gnomAD compares: Non-Finnish European, 0.0036%; no homozygotes.

Submissions (2):

Ambry Genetics
Classification: Uncertain significance. Last evaluated: 2025-10-28. Review status: criteria provided, single submitter. Criteria: Ambry Variant Classification Scheme 2023. Collection method: clinical testing. Allele origin: germline.

Labcorp Genetics (formerly Invitae), Labcorp
Classification: Uncertain significance. Last evaluated: 2025-04-12. Review status: criteria provided, single submitter. Criteria: Invitae Variant Classification Sherloc (09022015). Collection method: clinical testing. Allele origin: germline.
Comment: This sequence change replaces lysine, which is basic and polar, with glutamic acid, which is acidic and polar, at codon 91 of the NDUFB10 protein (p.Lys91Glu). This variant is present in population databases (rs754616585, gnomAD 0.008%). This variant has not been reported in the literature in individuals affected with NDUFB10-related conditions. ClinVar contains an entry for this variant (Variation ID: 3670840). An algorithm developed to predict the effect of missense changes on protein structure and function (PolyPhen-2) suggests that this variant is likely to be tolerated. In summary, the available evidence is currently insufficient to determine the role of this variant in disease. Therefore, it has been classified as a Variant of Uncertain Significance.

NM_004548.3(NDUFB10):c.271A>G (p.Lys91Glu)

Genes: NDUFB10 (NADH:ubiquinone oxidoreductase subunit B10; plus strand), LOC130058198 (ATAC-STARR-seq lymphoblastoid active region 10241; plus strand). Cytogenetic location: 16p13.3.
Variant type: single nucleotide variant.
Coding change: c.271A>G on transcript NM_004548.3 (MANE Select); coding-DNA position 271, A replaced by G.
Protein change: p.Lys91Glu; replaces lysine 91 with glutamic acid.
Molecular consequence: missense variant.
Genome position (GRCh38, 1-based): chr16:1,961,498, A>G. VCF-style: chr16-1961498-A-G. GRCh37 (hg19) VCF-style: chr16-2011499-A-G.
Other names: c.271A>G (NM_004548.2); short protein forms K91E.
Identifiers: ClinVar variation 3670840 (VCV003670840.3).